The following is an entry in ClinVar:

NM_145725.3(TRAF3):c.365G>C (p.Arg122Thr)

Gene: TRAF3 (TNF receptor associated factor 3; plus strand). Cytogenetic location: 14q32.32.
Variant type: single nucleotide variant.
Coding change: c.365G>C on transcript NM_145725.3 (MANE Select); coding-DNA position 365, G replaced by C.
Protein change: p.Arg122Thr; replaces arginine 122 with threonine.
Molecular consequence: missense variant.
Genome position (GRCh38, 1-based): chr14:102,875,691, G>C. VCF-style: chr14-102875691-G-C. GRCh37 (hg19) VCF-style: chr14-103342028-G-C.
Other names: c.365G>C, p.Arg122Thr (NM_001199427.2, NM_001385142.1, NM_001385143.1 and 2 more transcripts); short protein forms R122T.
Identifiers: ClinVar variation 1492091 (VCV001492091.6), dbSNP rs2139853351, ClinGen allele CA391070335.
Genomic context (GRCh38, chr14:102,875,691, plus strand): 5'-AGGATAATTGCTGCAAGAGAGAAATTCTGGCTCTTCAGATCTATTGTCGGAATGAAAGCA[G>C]AGGTTGTGCAGAGCAGTTAATGCTGGGACATCTGCTGGTGAGTAGCAAAGGGACACTGGA-3'
Protein context (NP_663777.1, residues 112-132): ALQIYCRNES[Arg122Thr]GCAEQLMLGH

ClinVar aggregate classification (germline): Uncertain significance (1 of 4 stars; one submission).

Conditions:
Immunodeficiency 132A. Also called: Herpes simplex encephalitis, susceptibility to, 3. Identifiers: Orphanet 1930, MedGen C3553868, MONDO:0013920, OMIM 614849.

Submission:

Labcorp Genetics (formerly Invitae), Labcorp
Classification: Uncertain significance for Immunodeficiency 132A. Last evaluated: 2023-08-17. Review status: criteria provided, single submitter. Criteria: Invitae Variant Classification Sherloc (09022015). Collection method: clinical testing. Allele origin: germline.
Comment: In summary, the available evidence is currently insufficient to determine the role of this variant in disease. Therefore, it has been classified as a Variant of Uncertain Significance. An algorithm developed to predict the effect of missense changes on protein structure and function (PolyPhen-2) suggests that this variant is likely to be tolerated. ClinVar contains an entry for this variant (Variation ID: 1492091). This variant has not been reported in the literature in individuals affected with TRAF3-related conditions. This variant is not present in population databases (gnomAD no frequency). This sequence change replaces arginine, which is basic and polar, with threonine, which is neutral and polar, at codon 122 of the TRAF3 protein (p.Arg122Thr).